The following is an entry in ClinVar:

ClinVar aggregate classification (germline): Uncertain significance (1 of 4 stars; one submission).

Conditions:
Myofibrillar myopathy 5. Also called: Filaminopathy (type); FILAMINOPATHY, AUTOSOMAL DOMINANT. Identifiers: Orphanet 171445, MedGen C1836050, MONDO:0012289, OMIM 609524.
Distal myopathy with posterior leg and anterior hand involvement. Also called: WILLIAMS DISTAL MYOPATHY. Identifiers: Orphanet 63273, MedGen C3279722, MONDO:0013550, OMIM 614065.
Hypertrophic cardiomyopathy 26. Also called: Cardiomyopathy, familial hypertrophic, 26. Identifiers: Orphanet 75249, MedGen C4310749, MONDO:0014883, OMIM 617047.

Submission:

Labcorp Genetics (formerly Invitae), Labcorp
Classification: Uncertain significance for Distal myopathy with posterior leg and anterior hand involvement; Myofibrillar myopathy 5; Hypertrophic cardiomyopathy 26. Last evaluated: 2025-10-25. Review status: criteria provided, single submitter. Criteria: Invitae Variant Classification Sherloc (09022015). Collection method: clinical testing. Allele origin: germline.
Comment: This variant, c.4200_4202del, results in the deletion of 1 amino acid(s) of the FLNC protein (p.Asn1400del), but otherwise preserves the integrity of the reading frame. This variant is present in population databases (no rsID available, gnomAD 0.003%). This variant has not been reported in the literature in individuals affected with FLNC-related conditions. Experimental studies and prediction algorithms are not available or were not evaluated, and the functional significance of this variant is currently unknown. In summary, the available evidence is currently insufficient to determine the role of this variant in disease. Therefore, it has been classified as a Variant of Uncertain Significance.

NM_001458.5(FLNC):c.4197CAA[1] (p.Asn1400del)

Gene: FLNC (filamin C; plus strand). Cytogenetic location: 7q32.1.
Variant type: Microsatellite.
Coding change: c.4197CAA[1] on transcript NM_001458.5 (MANE Select); one copy of the 3-base unit CAA starting at c.4197; the reference has two copies in a row; one copy, 3 bases deleted.
Protein change: p.Asn1400del; deletes asparagine 1400.
Molecular consequence: inframe deletion.
Genome position (GRCh38, 1-based): chr7:128,846,817-128,846,819, CAA deleted; deleting any 3 consecutive bases within chr7:128,846,813-128,846,819 gives the same sequence; the position shown is the placement nearest the transcript's 3' end. VCF-style (leftmost placement, unchanged base first): chr7-128846812-GACA-G. GRCh37 (hg19) VCF-style: chr7-128486866-GACA-G.
Other names: c.4197CAA[1], p.Asn1400del (NM_001127487.2); short protein forms N1400del.
Identifiers: ClinVar variation 1508613 (VCV001508613.6), dbSNP rs1167620763, ClinGen allele CA578151037.